The following is an entry in ClinVar:

NM_032119.4(ADGRV1):c.11999C>T (p.Thr4000Met)

Gene: ADGRV1 (adhesion G protein-coupled receptor V1; plus strand). Cytogenetic location: 5q14.3.
Variant type: single nucleotide variant.
Coding change: c.11999C>T on transcript NM_032119.4 (MANE Select); coding-DNA position 11999, C replaced by T.
Protein change: p.Thr4000Met; replaces threonine 4000 with methionine.
Molecular consequence: missense variant. On other transcripts: non-coding transcript variant (1).
Genome position (GRCh38, 1-based): chr5:90,759,467, C>T. VCF-style: chr5-90759467-C-T. GRCh37 (hg19) VCF-style: chr5-90055284-C-T.
Other names: short protein forms T4000M.
Identifiers: ClinVar variation 517311 (VCV000517311.8), dbSNP rs758506587, ClinGen allele CA3341105.
Genomic context (GRCh38, chr5:90,759,467, plus strand): 5'-AGGTTACTGCAATGATAGAAATCACCATAATTGATGATGCTGAATTTGAATTGACAGAGA[C>T]GTTCAATATTTCCTTGATCAGTGTTGCTGGAGGTGGCAGACTTGGTGATGATGTTGTGGT-3'
Protein context (NP_115495.3, residues 3990-4010): IDDAEFELTE[Thr4000Met]FNISLISVAG

ClinVar aggregate classification (germline): Likely benign. Review status: criteria provided, multiple submitters, no conflicts (2 of 4 stars). 2 submissions from 2 submitters: Likely benign (2). Last evaluated 2025-11-13.

Allele frequency attached by ClinVar (database versions not stated): gnomAD 0.00001; gnomAD exomes 0.00001 and 0.00003; TOPMed 0.00002; ExAC 0.00004.
gnomAD v4.1: 18 of 1,602,450 alleles (0.0011%); highest among the groups gnomAD compares: East Asian, 0.0045%; no homozygotes.

Submissions (2):

Labcorp Genetics (formerly Invitae), Labcorp
Classification: Likely benign. Last evaluated: 2025-11-13. Review status: criteria provided, single submitter. Criteria: Invitae Variant Classification Sherloc (09022015). Collection method: clinical testing. Allele origin: germline.

Laboratory for Molecular Medicine, Mass General Brigham Personalized Medicine
Classification: Likely benign. Last evaluated: 2017-04-20. Review status: criteria provided, single submitter. Criteria: LMM Criteria. Collection method: clinical testing. Allele origin: germline. Observed: 1 variant allele.
Comment: p.Thr4000Met in exon 58 of GPR98: This variant is not expected to have clinical significance due to a lack of conservation across species, including mammals. Of note, more than 10 mammals (including gibbon, elephant, and cape elephant shrew ) have a methionine (Met) at this position despite high nearby amino acid conser vation. In addition, computational prediction tools do not suggest a high likeli hood of impact to the protein. It has been identified in 3/16124 of East Asian c hromosomes by the Genome Aggregation Database (gnomAD; dbSNP rs758506587).